The following is an entry in ClinVar:

NM_001004334.4(GPR179):c.5457C>T (p.Pro1819=)

Gene: GPR179 (G protein-coupled receptor 179; minus strand). Cytogenetic location: 17q12.
Variant type: single nucleotide variant.
Coding change: c.5457C>T on transcript NM_001004334.4 (MANE Select); coding-DNA position 5457, C replaced by T.
Protein change: p.Pro1819=; no amino-acid change (proline 1819 retained).
Molecular consequence: synonymous variant.
Genome position (GRCh38, 1-based): chr17:38,328,112, G>A on the plus strand (C>T on the coding strand, the complement: GPR179 is on the minus strand). VCF-style: chr17-38328112-G-A. GRCh37 (hg19) VCF-style: chr17-36483995-G-A.
Other names: c.5457C>T (NM_001004334.3).
Identifiers: ClinVar variation 1647121 (VCV001647121.11), dbSNP rs759829066, ClinGen allele CA290103552.

ClinVar aggregate classification (germline): Likely benign. Review status: criteria provided, multiple submitters, no conflicts (2 of 4 stars). 3 submissions from 3 submitters: Likely benign (2). 1 of the submissions does not count toward it. Last evaluated 2025-08-04.

Conditions:
GPR179-related disorder. Also called: GPR179-related condition.

Allele frequency attached by ClinVar (database versions not stated): gnomAD exomes 0.00003 and 0.00010; ExAC 0.00012; gnomAD 0.00014 and 0.00015; TOPMed 0.00024.
gnomAD v4.1: 67 of 1,613,878 alleles (0.0042%); highest among the groups gnomAD compares: Admixed American, 0.072%; 1 homozygote.

Submissions (3):

Labcorp Genetics (formerly Invitae), Labcorp
Classification: Likely benign. Last evaluated: 2025-08-04. Review status: criteria provided, single submitter. Criteria: Invitae Variant Classification Sherloc (09022015). Collection method: clinical testing. Allele origin: germline.

Blueprint Genetics
Classification: Likely benign. Last evaluated: 2024-04-10. Review status: criteria provided, single submitter. Criteria: ACMG Guidelines, 2015. Collection method: clinical testing. Allele origin: germline.

PreventionGenetics, part of Exact Sciences
Classification: Likely benign for GPR179-related condition. Last evaluated: 2019-04-09. Review status: no assertion criteria provided. Collection method: clinical testing. Allele origin: germline. Not counted in ClinVar's aggregate classification.
Comment: This variant is classified as likely benign based on ACMG/AMP sequence variant interpretation guidelines (Richards et al. 2015 PMID: 25741868, with internal and published modifications).